The following is an entry in ClinVar:

ClinVar aggregate classification (germline): Benign. Review status: criteria provided, multiple submitters, no conflicts (2 of 4 stars). 3 submissions from 3 submitters: Benign (3). Last evaluated 2018-07-09.

Conditions:
Factor 5 and Factor VIII, combined deficiency of, 2. Identifiers: Orphanet 35909, MedGen C3150889, MONDO:0013331, OMIM 613625.

Allele frequency attached by ClinVar (database versions not stated): 1000 Genomes Project 0.02196; gnomAD 0.04579 and 0.04448; 1000 Genomes Project 30x 0.02171; TOPMed 0.04490; gnomAD exomes 0.05341.
gnomAD v4.1: 80,977 of 1,544,986 alleles (5.2%); highest among the groups gnomAD compares: Middle Eastern, 9.5%; 2,463 homozygotes.

Submissions (3):

GeneDx
Classification: Benign. Last evaluated: 2018-07-09. Review status: criteria provided, single submitter. Criteria: GeneDx Variant Classification Process June 2021. Collection method: clinical testing. Allele origin: germline. Affected: yes.

Illumina Laboratory Services, Illumina
Classification: Benign for Factor 5 and Factor VIII, combined deficiency of, 2. Last evaluated: 2018-01-12. Review status: criteria provided, single submitter. Criteria: ICSL Variant Classification Criteria 13 December 2019. Collection method: clinical testing. Allele origin: germline.
Comment: This variant was observed in the ICSL laboratory as part of a predisposition screen in an ostensibly healthy population. It had not been previously curated by ICSL or reported in the Human Gene Mutation Database (HGMD: prior to June 1st, 2018), and was therefore a candidate for classification through an automated scoring system. Utilizing variant allele frequency, disease prevalence and penetrance estimates, and inheritance mode, an automated score was calculated to assess if this variant is too frequent to cause the disease. Based on the score and internal cut-off values, a variant classified as benign is not then subjected to further curation. The score for this variant resulted in a classification of benign for this disease.

Breakthrough Genomics
Classification: Benign. Review status: criteria provided, single submitter. Criteria: ACMG Guidelines, 2015. Collection method: not provided. Allele origin: germline. Inheritance: Unknown mechanism. Affected: yes.

NM_139279.6(MCFD2):c.*73A>G

Genes: MCFD2 (multiple coagulation factor deficiency 2, ER cargo receptor complex subunit; minus strand), MCFD2-AS1 (MCFD2 antisense RNA 1; plus strand). Cytogenetic location: 2p21.
Variant type: single nucleotide variant.
Coding change: c.*73A>G on transcript NM_139279.6 (MANE Select); 73 bases downstream of the stop codon, A replaced by G.
Molecular consequence: 3 prime UTR variant.
Genome position (GRCh38, 1-based): chr2:46,905,390, T>C on the plus strand (A>G on the coding strand, the complement: MCFD2 is on the minus strand). VCF-style: chr2-46905390-T-C. GRCh37 (hg19) VCF-style: chr2-47132529-T-C.
Other names: c.*73A>G (NM_001171506.2, NM_001171507.2, NM_001171508.2 and 3 more transcripts).
Identifiers: ClinVar variation 336378 (VCV000336378.7), dbSNP rs71423925, ClinGen allele CA10615709.